The following is an entry in ClinVar:

ClinVar aggregate classification (germline): Uncertain significance (1 of 4 stars; one submission).

Submission:

Ambry Genetics
Classification: Uncertain significance. Last evaluated: 2026-05-19. Review status: criteria provided, single submitter. Criteria: Ambry Variant Classification Scheme 2023. Collection method: clinical testing. Allele origin: germline.
Comment: The p.Q51H variant (also known as c.153G>C), located in coding exon 1 of the WNK2 gene, results from a G to C substitution at nucleotide position 153. The glutamine at codon 51 is replaced by histidine, an amino acid with highly similar properties. This amino acid position is conserved. In addition, this alteration is predicted to be tolerated by in silico analysis. Based on the available evidence, the clinical significance of this variant remains unclear.

NM_006648.4(WNK2):c.153G>C (p.Gln51His)

Gene: WNK2 (WNK lysine deficient protein kinase 2; plus strand). Cytogenetic location: 9q22.31.
Variant type: single nucleotide variant.
Coding change: c.153G>C on transcript NM_006648.4 (MANE Select); coding-DNA position 153, G replaced by C.
Protein change: p.Gln51His; replaces glutamine 51 with histidine.
Molecular consequence: missense variant.
Genome position (GRCh38, 1-based): chr9:93,185,082, G>C. VCF-style: chr9-93185082-G-C. GRCh37 (hg19) VCF-style: chr9-95947364-G-C.
Other names: c.153G>C, p.Gln51His (NM_001282394.3); short protein forms Q51H.
Identifiers: ClinVar variation 4866686 (VCV004866686.1).